The following is an entry in ClinVar:

ClinVar aggregate classification (germline): Uncertain significance (1 of 4 stars; one submission).

Submission:

Labcorp Genetics (formerly Invitae), Labcorp
Classification: Uncertain significance. Last evaluated: 2023-03-17. Review status: criteria provided, single submitter. Criteria: Invitae Variant Classification Sherloc (09022015). Collection method: clinical testing. Allele origin: unknown.
Comment: In summary, the available evidence is currently insufficient to determine the role of this variant in disease. Therefore, it has been classified as a Variant of Uncertain Significance. This variant has not been reported in the literature in individuals affected with COL11A1-related conditions. A copy number gain of the genomic region encompassing the full coding sequence of the COL11A1 gene has been identified. The boundaries of this event are unknown as they extend beyond the assayed region for this gene and therefore may encompass additional genes. As the precise location of this event is unknown, it may be in tandem or it may be located elsewhere in the genome.

NC_000001.10:g.(?_103343575)_(103573734_?)dup

Gene: COL11A1 (collagen type XI alpha 1 chain; minus strand). Cytogenetic location: 1p21.1.
Variant type: Duplication.
Identifiers: ClinVar variation 3247927 (VCV003247927.1).